The following is an entry in ClinVar:

NM_032885.6(ATG4D):c.623A>G (p.Gln208Arg)

Gene: ATG4D (autophagy related 4D cysteine peptidase; plus strand). Cytogenetic location: 19p13.2.
Variant type: single nucleotide variant.
Coding change: c.623A>G on transcript NM_032885.6 (MANE Select); coding-DNA position 623, A replaced by G.
Protein change: p.Gln208Arg; replaces glutamine 208 with arginine.
Molecular consequence: missense variant. On other transcripts: non-coding transcript variant (1).
Genome position (GRCh38, 1-based): chr19:10,546,968, A>G. VCF-style: chr19-10546968-A-G. GRCh37 (hg19) VCF-style: chr19-10657644-A-G.
Other names: c.434A>G, p.Gln145Arg (NM_001281504.2); c.623A>G (NM_032885.5); short protein forms Q208R, Q145R.
Identifiers: ClinVar variation 3131010 (VCV003131010.2), dbSNP rs758776289, ClinGen allele CA9196165.

ClinVar aggregate classification (germline): Uncertain significance. Review status: criteria provided, multiple submitters, no conflicts (2 of 4 stars). 2 submissions from 2 submitters: Uncertain significance (2). Last evaluated 2026-01-20.

Conditions:
ATG4D-related condition.

Allele frequency attached by ClinVar (database versions not stated): gnomAD exomes 0.00003; gnomAD 0.00004; ExAC 0.00006; TOPMed 0.00006.
gnomAD v4.1: 52 of 1,608,628 alleles (0.0032%); highest among the groups gnomAD compares: Middle Eastern, 0.067%; 1 homozygote.

Submissions (2):

PreventionGenetics, part of Exact Sciences
Classification: Uncertain significance for ATG4D-related condition. Last evaluated: 2026-01-20. Review status: criteria provided, single submitter. Criteria: ACMG Guidelines, 2015. Collection method: clinical testing. Allele origin: germline.
Comment: The ATG4D c.623A>G variant is predicted to result in the amino acid substitution p.Gln208Arg. To our knowledge, this variant has not been reported in the literature. This variant is reported in 0.065% of alleles in individuals of Latino descent in gnomAD. At this time, the clinical significance of this variant is uncertain due to the absence of conclusive functional and genetic evidence.

Ambry Genetics
Classification: Uncertain significance. Last evaluated: 2024-01-12. Review status: criteria provided, single submitter. Criteria: Ambry Variant Classification Scheme 2023. Collection method: clinical testing. Allele origin: germline.